The following is an entry in ClinVar:

NM_001378120.1(MBD5):c.1349T>C (p.Ile450Thr)

Gene: MBD5 (methyl-CpG binding domain protein 5; plus strand). Cytogenetic location: 2q23.1.
Variant type: single nucleotide variant.
Coding change: c.1349T>C on transcript NM_001378120.1 (MANE Select); coding-DNA position 1349, T replaced by C.
Protein change: p.Ile450Thr; replaces isoleucine 450 with threonine.
Molecular consequence: missense variant.
Genome position (GRCh38, 1-based): chr2:148,469,292, T>C. VCF-style: chr2-148469292-T-C. GRCh37 (hg19) VCF-style: chr2-149226861-T-C.
Other names: c.1349T>C, p.Ile450Thr (NM_001438854.1, NM_001438855.1, NM_001438856.1 and 7 more transcripts); short protein forms I450T.
Identifiers: ClinVar variation 4752083 (VCV004752083.1).
Genomic context (GRCh38, chr2:148,469,292, plus strand): 5'-CTTCAACCTCCCTGTCCCCTTCTCCAGTGACATCCCCCGTGCACATGATGGGGACTGGAA[T>C]TGGAAGGATTGAGGCATCGCCCCAAAGATCACGCTCATCTTCCACATCATCAGATCATGG-3'
Protein context (NP_001365049.1, residues 440-460): TSPVHMMGTG[Ile450Thr]GRIEASPQRS

ClinVar aggregate classification (germline): Uncertain significance (1 of 4 stars; one submission).

Conditions:
Intellectual developmental disorder, autosomal dominant 1. Also called: MBD5 Haploinsufficiency; Intellectual disability, autosomal dominant 1. Identifiers: Orphanet 228402, MedGen C1969562, MONDO:0007974, OMIM 156200.

gnomAD v4.1: 52 of 1,613,858 alleles (0.0032%); highest among the groups gnomAD compares: Non-Finnish European, 0.0044%; no homozygotes.

Submission:

Labcorp Genetics (formerly Invitae), Labcorp
Classification: Uncertain significance for Intellectual developmental disorder, autosomal dominant 1. Last evaluated: 2025-03-23. Review status: criteria provided, single submitter. Criteria: Invitae Variant Classification Sherloc (09022015). Collection method: clinical testing. Allele origin: germline.
Comment: This sequence change replaces isoleucine, which is neutral and non-polar, with threonine, which is neutral and polar, at codon 450 of the MBD5 protein (p.Ile450Thr). This variant is present in population databases (rs774046815, gnomAD 0.002%). This variant has not been reported in the literature in individuals affected with MBD5-related conditions. Invitae Evidence Modeling of protein sequence and biophysical properties (such as structural, functional, and spatial information, amino acid conservation, physicochemical variation, residue mobility, and thermodynamic stability) indicates that this missense variant is not expected to disrupt MBD5 protein function with a negative predictive value of 80%. In summary, the available evidence is currently insufficient to determine the role of this variant in disease. Therefore, it has been classified as a Variant of Uncertain Significance.